The following is an entry in ClinVar:

ClinVar aggregate classification (germline): Uncertain significance. Review status: criteria provided, multiple submitters, no conflicts (2 of 4 stars). 3 submissions from 3 submitters: Uncertain significance (3). Last evaluated 2022-02-18.

Conditions:
Hereditary cancer-predisposing syndrome. Also called: Tumor predisposition; Hereditary Cancer Syndrome; Hereditary neoplastic syndrome; Neoplastic Syndromes, Hereditary. Identifiers: Orphanet 140162, MedGen C0027672, MeSH D009386, MONDO:0015356.

Allele frequency attached by ClinVar (database versions not stated): TOPMed 0.00001.
gnomAD v4.1: 7 of 1,614,042 alleles (0.00043%); highest among the groups gnomAD compares: Non-Finnish European, 0.00059%; no homozygotes.

Submissions (3):

Ambry Genetics
Classification: Uncertain significance for Hereditary cancer-predisposing syndrome. Last evaluated: 2022-02-18. Review status: criteria provided, single submitter. Criteria: Ambry Variant Classification Scheme 2023. Collection method: clinical testing. Allele origin: germline.
Comment: The p.Y226* variant (also known as c.678T>G), located in coding exon 3 of the XRCC2 gene, results from a T to G substitution at nucleotide position 678. This changes the amino acid from a tyrosine to a stop codon within coding exon 3. This alteration occurs at the 3' terminus of the XRCC2 gene, is not expected to trigger nonsense-mediated mRNA decay, and only impacts the last 55 amino acids of the protein. The exact functional effect of this alteration is unknown. Since supporting evidence is limited at this time, the clinical significance of this alteration remains unclear.

Labcorp Genetics (formerly Invitae), Labcorp
Classification: Uncertain significance. Last evaluated: 2018-07-02. Review status: criteria provided, single submitter. Criteria: Invitae Variant Classification Sherloc (09022015). Collection method: clinical testing. Allele origin: germline.
Comment: In summary, the available evidence is currently insufficient to determine the role of this variant in disease. Therefore, it has been classified as a Variant of Uncertain Significance. This sequence change results in a premature translational stop signal in the XRCC2 gene (p.Tyr226*). While this is not anticipated to result in nonsense mediated decay, it is expected to disrupt the last 55 amino acids of the XRCC2 protein. This variant is not present in population databases (ExAC no frequency). This variant has not been reported in the literature in individuals with XRCC2-related disease. ClinVar contains an entry for this variant (Variation ID: 182998).

GeneDx
Classification: Uncertain significance. Last evaluated: 2015-04-28. Review status: criteria provided, single submitter. Criteria: GeneDx Variant Classification (06012015). Collection method: clinical testing. Allele origin: germline. Affected: yes.
Comment: This variant is denoted XRCC2 c.678T>G at the cDNA level and p.Tyr226Ter (Y226X) at the protein level. The substitution creates a nonsense variant, which changes a Tyrosine to a premature stop codon (TAT>TAG) in the last exon of the gene, exon 3. This mutation results in the loss of the last 55 amino acids of the protein for which the clinical significance is unknown. This variant was not observed in approximately 6,500 individuals of European and African American ancestry in the NHLBI Exome Sequencing Project, suggesting it is not a common benign variant in these populations. The lost region is not within any known functional domain and no mutations, to our knowledge, have been reported in the lost region. Based on the currently available information, we consider Tyr226Ter to be a variant of uncertain significance.

NM_005431.2(XRCC2):c.678T>G (p.Tyr226Ter)

Gene: XRCC2 (X-ray repair cross complementing 2; minus strand). Cytogenetic location: 7q36.1.
Variant type: single nucleotide variant.
Coding change: c.678T>G on transcript NM_005431.2 (MANE Select); coding-DNA position 678, T replaced by G.
Protein change: p.Tyr226Ter; replaces tyrosine 226 with a stop codon.
Molecular consequence: nonsense.
Genome position (GRCh38, 1-based): chr7:152,648,807, A>C on the plus strand (T>G on the coding strand, the complement: XRCC2 is on the minus strand). VCF-style: chr7-152648807-A-C. GRCh37 (hg19) VCF-style: chr7-152345892-A-C.
Other names: p.Y226*:TAT>TAG; short protein forms Y226*.
Identifiers: ClinVar variation 182998 (VCV000182998.11), dbSNP rs143357617, ClinGen allele CA300479.